The following is an entry in ClinVar:

NC_000002.12:g.121530882C>G

Genes: CLASP1 (cytoplasmic linker associated protein 1; minus strand), CLASP1-AS1 (CLASP1 antisense RNA 1; plus strand), RNU4ATAC (RNA, U4atac small nuclear; plus strand). Cytogenetic location: 2q14.2.
Variant type: single nucleotide variant.
Molecular consequence: intron variant (on NM_001395891.1).
Genome position: GRCh38 VCF-style: chr2-121530882-C-G. GRCh37 (hg19) VCF-style: chr2-122288458-C-G.
Other names: c.196-557G>C (NM_001142274.2, NM_015282.3, NM_001378003.1 and 5 more transcripts).
Identifiers: ClinVar variation 1915864 (VCV001915864.5), dbSNP rs772138273, ClinGen allele CA428887757.
Genomic context (GRCh38, chr2:121,530,882, plus strand): 5'-ACCACAACCCTACCAGGTATTGGCGCTTCCTGCTTGCAGCCCAGGGACTTTCTATTATAA[C>G]CATCCTTTTCTTGGGGTTGCGCTACTGTCCAATGAGCGCATAGTGAGGGCAGTACTGCTA-3'

ClinVar aggregate classification (germline): Uncertain significance (1 of 4 stars; one submission).

gnomAD v4.1: 7 of 692,248 alleles (0.001%); highest among the groups gnomAD compares: Non-Finnish European, 0.0018%; no homozygotes.

Submission:

Labcorp Genetics (formerly Invitae), Labcorp
Classification: Uncertain significance. Last evaluated: 2024-10-21. Review status: criteria provided, single submitter. Criteria: Invitae Variant Classification Sherloc (09022015). Collection method: clinical testing. Allele origin: germline.
Comment: This variant occurs in the RNU4ATAC gene, which encodes an RNA molecule that does not result in a protein product. This variant is present in population databases (no rsID available, gnomAD 0.009%). This variant has not been reported in the literature in individuals affected with RNU4ATAC-related conditions. ClinVar contains an entry for this variant (Variation ID: 1915864). Experimental studies and prediction algorithms are not available or were not evaluated, and the functional significance of this variant is currently unknown. In summary, the available evidence is currently insufficient to determine the role of this variant in disease. Therefore, it has been classified as a Variant of Uncertain Significance.